The following is an entry in ClinVar:

ClinVar aggregate classification (germline): Uncertain significance (1 of 4 stars; one submission).

Submission:

Labcorp Genetics (formerly Invitae), Labcorp
Classification: Uncertain significance. Last evaluated: 2022-03-22. Review status: criteria provided, single submitter. Criteria: Invitae Variant Classification Sherloc (09022015). Collection method: clinical testing. Allele origin: germline.
Comment: This variant is not present in population databases (gnomAD no frequency). In summary, the available evidence is currently insufficient to determine the role of this variant in disease. Therefore, it has been classified as a Variant of Uncertain Significance. Algorithms developed to predict the effect of missense changes on protein structure and function are either unavailable or do not agree on the potential impact of this missense change (SIFT: "Deleterious"; PolyPhen-2: "Probably Damaging"; Align-GVGD: "Class C0"). This variant has not been reported in the literature in individuals affected with A2ML1-related conditions. This sequence change replaces glycine, which is neutral and non-polar, with alanine, which is neutral and non-polar, at codon 1296 of the A2ML1 protein (p.Gly1296Ala).

NM_144670.6(A2ML1):c.3887G>C (p.Gly1296Ala)

Gene: A2ML1 (alpha-2-macroglobulin like 1; plus strand). Cytogenetic location: 12p13.31.
Variant type: single nucleotide variant.
Coding change: c.3887G>C on transcript NM_144670.6 (MANE Select); coding-DNA position 3887, G replaced by C.
Protein change: p.Gly1296Ala; replaces glycine 1296 with alanine.
Molecular consequence: missense variant.
Genome position (GRCh38, 1-based): chr12:8,868,011, G>C. VCF-style: chr12-8868011-G-C. GRCh37 (hg19) VCF-style: chr12-9020607-G-C.
Other names: c.2414G>C, p.Gly805Ala (NM_001282424.3); short protein forms G1296A, G805A.
Identifiers: ClinVar variation 1507991 (VCV001507991.8), dbSNP rs2136958139, ClinGen allele CA383844241.
Genomic context (GRCh38, chr12:8,868,011, plus strand): 5'-TCAACATACAGTCAGTTAACAGATTGGTATTTCAGCAGGATACCCTGCCCAATGTCCCTG[G>C]AATGTACACGTTGGAGGCCTCAGGCCAGGGCTGTGTCTATGTGCAGGTAAGTAGAGATCC-3'
Protein context (NP_653271.3, residues 1286-1306): FQQDTLPNVP[Gly1296Ala]MYTLEASGQG